The following is an entry in ClinVar:

NM_000463.3(UGT1A1):c.609_632del (p.His203_Lys211delinsGln)

Genes: UGT1A10 (UDP glucuronosyltransferase family 1 member A10; plus strand), UGT1A3 (UDP glucuronosyltransferase family 1 member A3; plus strand), UGT1A4 (UDP glucuronosyltransferase family 1 member A4; plus strand), UGT1A9 (UDP glucuronosyltransferase family 1 member A9; plus strand), UGT1A7 (UDP glucuronosyltransferase family 1 member A7; plus strand) and 5 more. Cytogenetic location: 2q37.1.
Variant type: Deletion.
Coding change: c.609_632del on transcript NM_000463.3 (MANE Select); coding-DNA positions 609 to 632, 24 bases deleted (CATGACCTTCCTGCAGCGGGTGAA).
Protein change: p.His203_Lys211delinsGln.
Molecular consequence: inframe indel. On other transcripts: intron variant (9).
Genome position (GRCh38, 1-based): chr2:233,760,896-233,760,919, CATGACCTTCCTGCAGCGGGTGAA deleted; deleting any 24 consecutive bases within chr2:233,760,895-233,760,919 gives the same sequence; the c. name uses the placement nearest the transcript's 3' end. VCF-style (leftmost placement, unchanged base first): chr2-233760894-CACATGACCTTCCTGCAGCGGGTGA-C. GRCh37 (hg19) VCF-style: chr2-234669540-CACATGACCTTCCTGCAGCGGGTGA-C.
Other names: c.609_632del24, p.His203_Lys211delinsGln (NM_000463.2); c.856-6138_856-6115del (NM_019076.5, NM_019075.4, NM_021027.3 and 1 more transcripts); c.61-6138_61-6115del (NM_205862.3); c.862-6138_862-6115del (NM_001072.4); c.868-6138_868-6115del (NM_019078.2, NM_007120.3, NM_019093.4).
Identifiers: ClinVar variation 437208 (VCV000437208.12), dbSNP rs1553620849, ClinGen allele CA645372713.

ClinVar aggregate classification (germline): Conflicting classifications of pathogenicity. Review status: criteria provided, conflicting classifications (1 of 4 stars). 3 submissions from 3 submitters: Pathogenic (1); Likely pathogenic (1); Uncertain significance (1). Last evaluated 2026-08-06.

Conditions:
Crigler-Najjar syndrome. Identifiers: Orphanet 205, MedGen C5551003, MONDO:0009044.
Lucey-Driscoll syndrome (HBLRTFN). Also called: Transient familial neonatal hyperbilirubinemia. Identifiers: Orphanet 2312, MedGen C0270210, MONDO:0009383, OMIM 237900.

Submissions (3):

OLLIN Analises Genomicas, OLLIN
Classification: Uncertain significance for Lucey-Driscoll syndrome. Last evaluated: 2026-08-06. Review status: criteria provided, single submitter. Criteria: ACMG Guidelines 2015 PMID 25741868. Collection method: clinical testing. Allele origin: germline.
Comment: This in-frame deletion, located in exon 1 (of 5), has been reported in ClinVar (accession VCV000437208.11), in gnomAD with an allele frequency of 0.00031%, and in the scientific literature, segregating with the phenotype and in compound heterozygosity, in individuals with UGT1A1 related disorders (PMID: 19217809). This variant removes 8 amino acids, preserving the reading frame and leading to a reduced protein length. According to the currently available evidence, this variant has been classified as uncertain significance (PM2_P, PM3_P, PM4, PP1).

Labcorp Genetics (formerly Invitae), Labcorp
Classification: Pathogenic. Last evaluated: 2025-07-13. Review status: criteria provided, single submitter. Criteria: Invitae Variant Classification Sherloc (09022015). Collection method: clinical testing. Allele origin: germline.
Comment: This variant, c.609_632del, is a complex sequence change that results in the deletion of 9 amino acids and insertion of 1 amino acid(s) in the UGT1A1 protein (p.His203_Lys211delinsGln). This variant is not present in population databases (gnomAD no frequency). This variant has been observed in individuals with UGT1A1-related hyperbilirubinemia (PMID: 19217809; internal data). ClinVar contains an entry for this variant (Variation ID: 437208). This variant disrupts a region of the UGT1A1 protein in which other variant(s) (p.Arg209Trp) have been determined to be pathogenic (PMID: 8514037, 25993113). This suggests that this is a clinically significant region of the protein, and that variants that disrupt it are likely to be disease-causing. For these reasons, this variant has been classified as Pathogenic.

Genetic Services Laboratory, University of Chicago
Classification: Likely pathogenic for Crigler-Najjar syndrome. Last evaluated: 2016-05-26. Review status: criteria provided, single submitter. Criteria: ACMG Guidelines, 2015. Collection method: clinical testing. Allele origin: germline. Affected: yes.

Literature cited by the submitters: PubMed 19217809 (cited by OLLIN Analises Genomicas, OLLIN and Labcorp Genetics (formerly Invitae), Labcorp); PubMed 8514037 (cited by Labcorp Genetics (formerly Invitae), Labcorp); PubMed 25993113 (cited by Labcorp Genetics (formerly Invitae), Labcorp).